The following is an entry in ClinVar:

ClinVar aggregate classification (germline): Uncertain significance. Review status: criteria provided, multiple submitters, no conflicts (2 of 4 stars). 2 submissions from 2 submitters: Uncertain significance (2). Last evaluated 2024-05-22.

Allele frequency attached by ClinVar (database versions not stated): gnomAD exomes below 0.00001; gnomAD 0.00001.
gnomAD v4.1: 4 of 1,611,910 alleles (0.00025%); highest among the groups gnomAD compares: Non-Finnish European, 0.00034%; no homozygotes.

Submissions (2):

GeneDx
Classification: Uncertain significance. Last evaluated: 2024-05-22. Review status: criteria provided, single submitter. Criteria: GeneDx Variant Classification Process June 2021. Collection method: clinical testing. Allele origin: germline. Affected: yes.
Comment: Not observed at significant frequency in large population cohorts (gnomAD); In silico analysis supports that this missense variant has a deleterious effect on protein structure/function; Has not been previously published as pathogenic or benign to our knowledge

CeGaT Center for Human Genetics Tuebingen
Classification: Uncertain significance. Last evaluated: 2022-07-01. Review status: criteria provided, single submitter. Criteria: CeGaT Center For Human Genetics Tuebingen Variant Classification Criteria Version 2. Collection method: clinical testing. Allele origin: germline. Affected: yes. Observed: 1 variant allele.

NM_015570.4(AUTS2):c.1387C>T (p.Pro463Ser)

Gene: AUTS2 (activator of transcription and developmental regulator AUTS2; plus strand). Cytogenetic location: 7q11.22.
Variant type: single nucleotide variant.
Coding change: c.1387C>T on transcript NM_015570.4 (MANE Select); coding-DNA position 1387, C replaced by T.
Protein change: p.Pro463Ser; replaces proline 463 with serine.
Molecular consequence: missense variant.
Genome position (GRCh38, 1-based): chr7:70,764,924, C>T. VCF-style: chr7-70764924-C-T. GRCh37 (hg19) VCF-style: chr7-70229910-C-T.
Other names: c.1387C>T (NM_015570.2); c.1387C>T, p.Pro463Ser (NM_001127231.3); short protein forms P463S.
Identifiers: ClinVar variation 2657530 (VCV002657530.25), dbSNP rs375248939, ClinGen allele CA367668464.